The following is an entry in ClinVar:

NM_006218.4(PIK3CA):c.175C>T (p.His59Tyr)

Gene: PIK3CA (phosphatidylinositol-4,5-bisphosphate 3-kinase catalytic subunit alpha; plus strand). Cytogenetic location: 3q26.32.
Variant type: single nucleotide variant.
Coding change: c.175C>T on transcript NM_006218.4 (MANE Select); coding-DNA position 175, C replaced by T.
Protein change: p.His59Tyr; replaces histidine 59 with tyrosine.
Molecular consequence: missense variant.
Genome position (GRCh38, 1-based): chr3:179,199,000, C>T. VCF-style: chr3-179199000-C-T. GRCh37 (hg19) VCF-style: chr3-178916788-C-T.
Other names: short protein forms H59Y.
Identifiers: ClinVar variation 935567 (VCV000935567.8), dbSNP rs1266632047, ClinGen allele CA355271601.

ClinVar aggregate classification (germline): Uncertain significance. Review status: criteria provided, multiple submitters, no conflicts (2 of 4 stars). 2 submissions from 2 submitters: Uncertain significance (2). Last evaluated 2025-07-31.

Conditions:
Inborn genetic diseases. Identifiers: MedGen C0950123, MeSH D030342.
Cowden syndrome (CS). Also called: Cowden's disease; Cowden's syndrome; Cowden disease. Identifiers: Orphanet 201, MedGen C0018553, MONDO:0016063. Disease mechanism: gain of function.

Allele frequency attached by ClinVar (database versions not stated): gnomAD exomes below 0.00001 and 0.00001; TOPMed 0.00002.
gnomAD v4.1: 4 of 1,613,342 alleles (0.00025%); highest among the groups gnomAD compares: Admixed American, 0.0067%; no homozygotes.

Submissions (2):

Labcorp Genetics (formerly Invitae), Labcorp
Classification: Uncertain significance for Cowden syndrome. Last evaluated: 2025-07-31. Review status: criteria provided, single submitter. Criteria: Invitae Variant Classification Sherloc (09022015). Collection method: clinical testing. Allele origin: germline.
Comment: This sequence change replaces histidine, which is basic and polar, with tyrosine, which is neutral and polar, at codon 59 of the PIK3CA protein (p.His59Tyr). This variant is present in population databases (no rsID available, gnomAD 0.003%). This variant has not been reported in the literature in individuals affected with PIK3CA-related conditions. ClinVar contains an entry for this variant (Variation ID: 935567). An algorithm developed to predict the effect of missense changes on protein structure and function outputs the following: PolyPhen-2: "Benign". The tyrosine amino acid residue is found in multiple mammalian species, which suggests that this missense change does not adversely affect protein function. In summary, the available evidence is currently insufficient to determine the role of this variant in disease. Therefore, it has been classified as a Variant of Uncertain Significance.

Ambry Genetics
Classification: Uncertain significance for Inborn genetic diseases. Last evaluated: 2024-04-20. Review status: criteria provided, single submitter. Criteria: Ambry Variant Classification Scheme 2023. Collection method: clinical testing. Allele origin: germline.